The following is an entry in ClinVar:

ClinVar aggregate classification (germline): Uncertain significance (1 of 4 stars; one submission).

Conditions:
H syndrome. Also called: FAISALABAD HISTIOCYTOSIS; Histiocytosis with joint contractures and sensorineural deafness; HISTIOCYTOSIS AND LYMPHADENOPATHY WITH OR WITHOUT CUTANEOUS, CARDIAC, AND/OR ENDOCRINE FEATURES, JOINT CONTRACTURES, AND/OR DEAFNESS; HYPERPIGMENTATION, CUTANEOUS, WITH HYPERTRICHOSIS, HEPATOSPLENOMEGALY, HEART ANOMALIES, AND HYPOGONADISM WITH OR WITHOUT HEARING LOSS; PIGMENTED HYPERTRICHOSIS WITH INSULIN-DEPENDENT DIABETES MELLITUS; ROSAI-DORFMAN DISEASE, FAMILIAL. Identifiers: Orphanet 168569, MedGen C1864445, MONDO:0011273, OMIM 602782.

gnomAD v4.1: 5 of 1,612,712 alleles (0.00031%); highest among the groups gnomAD compares: Non-Finnish European, 0.00042%; no homozygotes.

Submission:

Labcorp Genetics (formerly Invitae), Labcorp
Classification: Uncertain significance for H syndrome. Last evaluated: 2024-11-15. Review status: criteria provided, single submitter. Criteria: Invitae Variant Classification Sherloc (09022015). Collection method: clinical testing. Allele origin: germline.
Comment: This sequence change affects codon 100 of the SLC29A3 mRNA. It is a 'silent' change, meaning that it does not change the encoded amino acid sequence of the SLC29A3 protein. This variant also falls at the last nucleotide of exon 2, which is part of the consensus splice site for this exon. This variant is not present in population databases (gnomAD no frequency). This variant has not been reported in the literature in individuals affected with SLC29A3-related conditions. Variants that disrupt the consensus splice site are a relatively common cause of aberrant splicing (PMID: 17576681, 9536098). Algorithms developed to predict the effect of sequence changes on RNA splicing suggest that this variant may disrupt the consensus splice site. In summary, the available evidence is currently insufficient to determine the role of this variant in disease. Therefore, it has been classified as a Variant of Uncertain Significance.

Literature cited by the submitters: PubMed 17576681; PubMed 9536098.

NM_018344.6(SLC29A3):c.300G>C (p.Leu100=)

Gene: SLC29A3 (solute carrier family 29 member 3; plus strand). Cytogenetic location: 10q22.1.
Variant type: single nucleotide variant.
Coding change: c.300G>C on transcript NM_018344.6 (MANE Select); coding-DNA position 300, G replaced by C.
Protein change: p.Leu100=; no amino-acid change (leucine 100 retained).
Molecular consequence: synonymous variant. On other transcripts: non-coding transcript variant (2).
Genome position (GRCh38, 1-based): chr10:71,323,054, G>C. VCF-style: chr10-71323054-G-C. GRCh37 (hg19) VCF-style: chr10-73082811-G-C.
Other names: c.300G>C, p.Leu100= (NM_001174098.2); c.66G>C, p.Leu22= (NM_001363518.2).
Identifiers: ClinVar variation 3682405 (VCV003682405.1).